The following is an entry in ClinVar:

NM_015662.3(IFT172):c.3307G>T (p.Ala1103Ser)

Gene: IFT172 (intraflagellar transport 172; minus strand). Cytogenetic location: 2p23.3.
Variant type: single nucleotide variant.
Coding change: c.3307G>T on transcript NM_015662.3 (MANE Select); coding-DNA position 3307, G replaced by T.
Protein change: p.Ala1103Ser; replaces alanine 1103 with serine.
Molecular consequence: missense variant.
Genome position (GRCh38, 1-based): chr2:27,456,575, C>A on the plus strand (G>T on the coding strand, the complement: IFT172 is on the minus strand). VCF-style: chr2-27456575-C-A. GRCh37 (hg19) VCF-style: chr2-27679442-C-A.
Other names: c.3307G>T (NM_015662.1, NM_015662.2); c.3241G>T, p.Ala1081Ser (NM_001410739.1); short protein forms A1081S, A1103S.
Identifiers: ClinVar variation 2152574 (VCV002152574.6), dbSNP rs1276771537, ClinGen allele CA346379287.
Genomic context (GRCh38, chr2:27,456,575, plus strand): 5'-TGTCTGCAGCGTGGTCAACAGCAGCTTCCAGGAGTCCCAGCTTATTAAGCAGTCTAACTG[C>A]AGCCTCTCCTCCCAGGCTCTTTGCCCACAGATAGGCCACGTGTTTGTGGGCATTAGCCCC-3'
Protein context (NP_056477.1, residues 1093-1113): LWAKSLGGEA[Ala1103Ser]VRLLNKLGLL

ClinVar aggregate classification (germline): Uncertain significance. Review status: criteria provided, multiple submitters, no conflicts (2 of 4 stars). 3 submissions from 3 submitters: Uncertain significance (3). Last evaluated 2025-11-13.

Conditions:
Inborn genetic diseases. Identifiers: MedGen C0950123, MeSH D030342.
IFT172-related disorder. Also called: IFT172-related condition; IFT172-related disorders.
Short-rib thoracic dysplasia 10 with or without polydactyly (SRTD10). Identifiers: Orphanet 474, MedGen C3810175, MONDO:0014284, OMIM 615630.
Retinitis pigmentosa 71 (RP71). Identifiers: Orphanet 791, MedGen C4225342, MONDO:0014618, OMIM 616394.

Allele frequency attached by ClinVar (database versions not stated): gnomAD exomes below 0.00001.

Submissions (3):

Ambry Genetics
Classification: Uncertain significance for Inborn genetic diseases. Last evaluated: 2025-11-13. Review status: criteria provided, single submitter. Criteria: Ambry Variant Classification Scheme 2023. Collection method: clinical testing. Allele origin: germline.

PreventionGenetics, part of Exact Sciences
Classification: Uncertain significance for IFT172-related condition. Last evaluated: 2025-06-25. Review status: criteria provided, single submitter. Criteria: ACMG Guidelines, 2015. Collection method: clinical testing. Allele origin: germline.
Comment: The IFT172 c.3307G>T variant is predicted to result in the amino acid substitution p.Ala1103Ser. To our knowledge, this variant has not been reported in the literature. This variant is reported in 0.0029% of alleles in individuals of Latino descent in gnomAD. At this time, the clinical significance of this variant is uncertain due to the absence of conclusive functional and genetic evidence.

Labcorp Genetics (formerly Invitae), Labcorp
Classification: Uncertain significance for Retinitis pigmentosa 71; Short-rib thoracic dysplasia 10 with or without polydactyly. Last evaluated: 2022-02-19. Review status: criteria provided, single submitter. Criteria: Invitae Variant Classification Sherloc (09022015). Collection method: clinical testing. Allele origin: germline.
Comment: In summary, the available evidence is currently insufficient to determine the role of this variant in disease. Therefore, it has been classified as a Variant of Uncertain Significance. Algorithms developed to predict the effect of missense changes on protein structure and function are either unavailable or do not agree on the potential impact of this missense change (SIFT: "Deleterious"; PolyPhen-2: "Possibly Damaging"; Align-GVGD: "Class C0"). This variant has not been reported in the literature in individuals affected with IFT172-related conditions. This variant is present in population databases (no rsID available, gnomAD 0.003%). This sequence change replaces alanine, which is neutral and non-polar, with serine, which is neutral and polar, at codon 1103 of the IFT172 protein (p.Ala1103Ser).